The following is an entry in ClinVar:

ClinVar aggregate classification (germline): Uncertain significance. Review status: criteria provided, multiple submitters, no conflicts (2 of 4 stars). 4 submissions from 4 submitters: Uncertain significance (4). Last evaluated 2026-05-07.

Conditions:
ATM-related cancer predisposition. Also called: ATM-related cancer susceptibility. Identifiers: MedGen CN377759, MONDO:0700270.
ATM-related disorder. Also called: ATM-related disorders; ATM-related condition.
Hereditary cancer-predisposing syndrome. Also called: Neoplastic Syndromes, Hereditary; Hereditary Cancer Syndrome; Tumor predisposition; Hereditary neoplastic syndrome. Identifiers: Orphanet 140162, MedGen C0027672, MeSH D009386, MONDO:0015356.
Ataxia-telangiectasia syndrome (AT). Also called: Ataxia-telangiectasia, complementation group D; Ataxia-telangiectasia, complementation group E; LOUIS-BAR SYNDROME; Cerebello-oculocutaneous telangiectasia; Immunodeficiency with ataxia telangiectasia; AT, COMPLEMENTATION GROUP C. Identifiers: Orphanet 100, MedGen C0004135, MONDO:0008840, OMIM 208900.

Allele frequency attached by ClinVar (database versions not stated): gnomAD 0.00001; TOPMed 0.00001.
gnomAD v4.1: 1 of 1,606,980 alleles (0.000062%); highest among the groups gnomAD compares: African/African-American, 0.0013%; no homozygotes.

Submissions (4):

PreventionGenetics, part of Exact Sciences
Classification: Uncertain significance for ATM-related condition. Last evaluated: 2026-05-07. Review status: criteria provided, single submitter. Criteria: ACMG Guidelines, 2015. Collection method: clinical testing. Allele origin: germline.
Comment: The ATM c.179T>C variant is predicted to result in the amino acid substitution p.Val60Ala. To our knowledge, this variant has not been reported in the literature or in a large population database (gnomAD), indicating this variant is rare. This variant has been interpreted as uncertain in ClinVar (Variation ID: 482582). At this time, the clinical significance of this variant is uncertain due to the absence of conclusive functional and genetic evidence.

Dasa
Classification: Uncertain significance for ATM-related cancer predisposition. Last evaluated: 2025-12-01. Review status: criteria provided, single submitter. Criteria: DASA Assertion Criteria. Collection method: clinical testing. Allele origin: germline.
Comment: NM_000051.4(ATM):c.179T>C (p.Val60Ala) is a missense variant that results in the substitution of valine with alanine. This variant is rare in population databases. The currently available literature and clinical evidence are not sufficient to establish a definitive association between this variant and the reported condition. Therefore, this variant is classified as a variant of uncertain significance.

Labcorp Genetics (formerly Invitae), Labcorp
Classification: Uncertain significance for Ataxia-telangiectasia syndrome. Last evaluated: 2025-10-30. Review status: criteria provided, single submitter. Criteria: Invitae Variant Classification Sherloc (09022015). Collection method: clinical testing. Allele origin: germline.
Comment: This sequence change replaces valine, which is neutral and non-polar, with alanine, which is neutral and non-polar, at codon 60 of the ATM protein (p.Val60Ala). This variant is not present in population databases (gnomAD no frequency). This variant has not been reported in the literature in individuals affected with ATM-related conditions. ClinVar contains an entry for this variant (Variation ID: 482582). Invitae Evidence Modeling of protein sequence and biophysical properties (such as structural, functional, and spatial information, amino acid conservation, physicochemical variation, residue mobility, and thermodynamic stability) indicates that this missense variant is not expected to disrupt ATM protein function with a negative predictive value of 95%. In summary, the available evidence is currently insufficient to determine the role of this variant in disease. Therefore, it has been classified as a Variant of Uncertain Significance.

Ambry Genetics
Classification: Uncertain significance for Hereditary cancer-predisposing syndrome. Last evaluated: 2024-12-11. Review status: criteria provided, single submitter. Criteria: Ambry Variant Classification Scheme 2023. Collection method: clinical testing. Allele origin: germline.
Comment: The p.V60A variant (also known as c.179T>C), located in coding exon 2 of the ATM gene, results from a T to C substitution at nucleotide position 179. The valine at codon 60 is replaced by alanine, an amino acid with similar properties. This amino acid position is highly conserved in available vertebrate species. In addition, this alteration is predicted to be tolerated by in silico analysis. Based on the available evidence, the clinical significance of this variant remains unclear.

NM_000051.4(ATM):c.179T>C (p.Val60Ala)

Gene: ATM (ATM serine/threonine kinase; plus strand). Cytogenetic location: 11q22.3.
Variant type: single nucleotide variant.
Coding change: c.179T>C on transcript NM_000051.4 (MANE Select); coding-DNA position 179, T replaced by C.
Protein change: p.Val60Ala; replaces valine 60 with alanine.
Molecular consequence: missense variant.
Genome position (GRCh38, 1-based): chr11:108,227,882, T>C. VCF-style: chr11-108227882-T-C. GRCh37 (hg19) VCF-style: chr11-108098609-T-C.
Other names: c.179T>C, p.Val60Ala (NM_001351834.2, NM_001351835.2, NM_001351836.2); short protein forms V60A.
Identifiers: ClinVar variation 482582 (VCV000482582.19), dbSNP rs988441570, ClinGen allele CA228368356.